The following is an entry in ClinVar:

ClinVar aggregate classification (germline): Uncertain significance. Review status: criteria provided, multiple submitters, no conflicts (2 of 4 stars). 2 submissions from 2 submitters: Uncertain significance (2). Last evaluated 2025-10-17.

Conditions:
Inborn genetic diseases. Identifiers: MedGen C0950123, MeSH D030342.

Allele frequency attached by ClinVar (database versions not stated): TOPMed below 0.00001; gnomAD 0.00001; ExAC 0.00003.
gnomAD v4.1: 13 of 1,596,106 alleles (0.00081%); highest among the groups gnomAD compares: Middle Eastern, 0.13%; no homozygotes.

Submissions (2):

Ambry Genetics
Classification: Uncertain significance for Inborn genetic diseases. Last evaluated: 2025-10-17. Review status: criteria provided, single submitter. Criteria: Ambry Variant Classification Scheme 2023. Collection method: clinical testing. Allele origin: germline.

Labcorp Genetics (formerly Invitae), Labcorp
Classification: Uncertain significance. Last evaluated: 2022-06-27. Review status: criteria provided, single submitter. Criteria: Invitae Variant Classification Sherloc (09022015). Collection method: clinical testing. Allele origin: germline.
Comment: This sequence change replaces phenylalanine, which is neutral and non-polar, with leucine, which is neutral and non-polar, at codon 526 of the NPHS1 protein (p.Phe526Leu). The frequency data for this variant in the population databases is considered unreliable, as metrics indicate poor data quality at this position in the gnomAD database. This variant has not been reported in the literature in individuals affected with NPHS1-related conditions. Algorithms developed to predict the effect of missense changes on protein structure and function are either unavailable or do not agree on the potential impact of this missense change (SIFT: "Tolerated"; PolyPhen-2: "Possibly Damaging"; Align-GVGD: "Class C0"). In summary, the available evidence is currently insufficient to determine the role of this variant in disease. Therefore, it has been classified as a Variant of Uncertain Significance.

NM_004646.4(NPHS1):c.1576T>C (p.Phe526Leu)

Gene: NPHS1 (NPHS1 adhesion molecule, nephrin; minus strand). Cytogenetic location: 19q13.12.
Variant type: single nucleotide variant.
Coding change: c.1576T>C on transcript NM_004646.4 (MANE Select); coding-DNA position 1576, T replaced by C.
Protein change: p.Phe526Leu; replaces phenylalanine 526 with leucine.
Molecular consequence: missense variant.
Genome position (GRCh38, 1-based): chr19:35,846,059, A>G on the plus strand (T>C on the coding strand, the complement: NPHS1 is on the minus strand). VCF-style: chr19-35846059-A-G. GRCh37 (hg19) VCF-style: chr19-36336961-A-G.
Other names: short protein forms F526L.
Identifiers: ClinVar variation 2150967 (VCV002150967.2), dbSNP rs759687842, ClinGen allele CA9390394.